The following is an entry in ClinVar:

NM_025114.4(CEP290):c.6624G>C (p.Arg2208Ser)

Gene: CEP290 (centrosomal protein 290; minus strand). Cytogenetic location: 12q21.32.
Variant type: single nucleotide variant.
Coding change: c.6624G>C on transcript NM_025114.4 (MANE Select); coding-DNA position 6624, G replaced by C.
Protein change: p.Arg2208Ser; replaces arginine 2208 with serine.
Molecular consequence: missense variant.
Genome position (GRCh38, 1-based): chr12:88,059,919, C>G on the plus strand (G>C on the coding strand, the complement: CEP290 is on the minus strand). VCF-style: chr12-88059919-C-G. GRCh37 (hg19) VCF-style: chr12-88453696-C-G.
Other names: c.6624G>C (NM_025114.3); short protein forms R2208S.
Identifiers: ClinVar variation 1400631 (VCV001400631.8), dbSNP rs777841957, ClinGen allele CA6711463.

ClinVar aggregate classification (germline): Uncertain significance. Review status: criteria provided, multiple submitters, no conflicts (2 of 4 stars). 4 submissions from 4 submitters: Uncertain significance (4). Last evaluated 2026-04-04.

Conditions:
Joubert syndrome. Also called: Familial aplasia of the vermis; JOUBERT-BOLTSHAUSER SYNDROME. Identifiers: Orphanet 475, MedGen C5979921, MONDO:0018772.
Nephronophthisis. Also called: Juvenile Nephronophthisis. Identifiers: Orphanet 655, MedGen C0687120, MONDO:0019005, HP:0000090.
Meckel-Gruber syndrome. Also called: Dysencephalia splachnocystica; GRUBER SYNDROME; DYSENCEPHALIA SPLANCHNOCYSTICA. Identifiers: Orphanet 564, MedGen C0265215, MONDO:0018921.
Meckel syndrome, type 4 (MKS4). Also called: MECKEL-GRUBER SYNDROME, TYPE 4. Identifiers: Orphanet 564, MedGen C1970161, MONDO:0012626, OMIM 611134.
Bardet-Biedl syndrome 14 (BBS14). Identifiers: Orphanet 110, MedGen C2673874, MONDO:0014442, OMIM 615991.
Senior-Loken syndrome 6 (SLSN6). Identifiers: Orphanet 3156, MedGen C1857779, MONDO:0012433, OMIM 610189.
Joubert syndrome 5 (JBTS5). Identifiers: Orphanet 2318, MedGen C1857780, MONDO:0012432, OMIM 610188.
Leber congenital amaurosis 10 (LCA10). Identifiers: Orphanet 65, MedGen C1857821, MONDO:0012723, OMIM 611755.
CEP290-related disorder. Also called: CEP290-related condition; CEP290-related disorders. Identifiers: MedGen CN239314.

Allele frequency attached by ClinVar (database versions not stated): gnomAD 0.00001 and 0.00002; gnomAD exomes 0.00001 and 0.00002; TOPMed 0.00001; ExAC 0.00002.
gnomAD v4.1: 16 of 1,592,550 alleles (0.001%); highest among the groups gnomAD compares: Admixed American, 0.011%; no homozygotes.

Submissions (4):

PreventionGenetics, part of Exact Sciences
Classification: Uncertain significance for CEP290-related condition. Last evaluated: 2026-04-04. Review status: criteria provided, single submitter. Criteria: ACMG Guidelines, 2015. Collection method: clinical testing. Allele origin: germline.
Comment: The CEP290 c.6624G>C variant is predicted to result in the amino acid substitution p.Arg2208Ser. To our knowledge, this variant has not been reported in the literature. This variant is reported in 0.016% of alleles in individuals of Latino descent in gnomAD. At this time, the clinical significance of this variant is uncertain due to the absence of conclusive functional and genetic evidence.

Labcorp Genetics (formerly Invitae), Labcorp
Classification: Uncertain significance for Joubert syndrome; Meckel-Gruber syndrome; Nephronophthisis. Last evaluated: 2025-07-10. Review status: criteria provided, single submitter. Criteria: Invitae Variant Classification Sherloc (09022015). Collection method: clinical testing. Allele origin: germline.
Comment: This sequence change replaces arginine, which is basic and polar, with serine, which is neutral and polar, at codon 2208 of the CEP290 protein (p.Arg2208Ser). This variant is present in population databases (rs777841957, gnomAD 0.02%). This variant has not been reported in the literature in individuals affected with CEP290-related conditions. ClinVar contains an entry for this variant (Variation ID: 1400631). Invitae Evidence Modeling of protein sequence and biophysical properties (such as structural, functional, and spatial information, amino acid conservation, physicochemical variation, residue mobility, and thermodynamic stability) has been performed for this missense variant. However, the output from this modeling did not meet the statistical confidence thresholds required to predict the impact of this variant on CEP290 protein function. In summary, the available evidence is currently insufficient to determine the role of this variant in disease. Therefore, it has been classified as a Variant of Uncertain Significance.

Fulgent Genetics
Classification: Uncertain significance for Joubert syndrome 5; Senior-Loken syndrome 6; Meckel syndrome, type 4; Leber congenital amaurosis 10; Bardet-Biedl syndrome 14. Last evaluated: 2024-05-10. Review status: criteria provided, single submitter. Criteria: ACMG Guidelines, 2015. Collection method: clinical testing. Allele origin: germline.

Blueprint Genetics
Classification: Uncertain significance. Last evaluated: 2023-08-18. Review status: criteria provided, single submitter. Criteria: ACMG Guidelines, 2015. Collection method: clinical testing. Allele origin: germline.